The following is an entry in ClinVar:

ClinVar aggregate classification (germline): Uncertain significance (1 of 4 stars; one submission).

gnomAD v4.1: 5 of 1,538,972 alleles (0.00032%); highest among the groups gnomAD compares: East Asian, 0.0024%; no homozygotes.

Submission:

Labcorp Genetics (formerly Invitae), Labcorp
Classification: Uncertain significance. Last evaluated: 2022-12-16. Review status: criteria provided, single submitter. Criteria: Invitae Variant Classification Sherloc (09022015). Collection method: clinical testing. Allele origin: germline.
Comment: Algorithms developed to predict the effect of missense changes on protein structure and function output the following: SIFT: "Tolerated"; PolyPhen-2: "Benign"; Align-GVGD: "Class C0". The arginine amino acid residue is found in multiple mammalian species, which suggests that this missense change does not adversely affect protein function. This variant has not been reported in the literature in individuals affected with SLC19A1-related conditions. This sequence change replaces proline, which is neutral and non-polar, with arginine, which is basic and polar, at codon 501 of the SLC19A1 protein (p.Pro501Arg). This variant is present in population databases (no rsID available, gnomAD 0.009%). In summary, the available evidence is currently insufficient to determine the role of this variant in disease. Therefore, it has been classified as a Variant of Uncertain Significance.

NM_194255.4(SLC19A1):c.1502C>G (p.Pro501Arg)

Gene: SLC19A1 (solute carrier family 19 member 1; minus strand). Cytogenetic location: 21q22.3.
Variant type: single nucleotide variant.
Coding change: c.1502C>G on transcript NM_194255.4 (MANE Select); coding-DNA position 1502, C replaced by G.
Protein change: p.Pro501Arg; replaces proline 501 with arginine.
Molecular consequence: missense variant. On other transcripts: intron variant (2).
Genome position (GRCh38, 1-based): chr21:45,515,932, G>C on the plus strand (C>G on the coding strand, the complement: SLC19A1 is on the minus strand). VCF-style: chr21-45515932-G-C. GRCh37 (hg19) VCF-style: chr21-46935846-G-C.
Other names: c.1382C>G, p.Pro461Arg (NM_001205207.3); c.1148C>G, p.Pro383Arg (NM_001352510.2); c.1502C>G, p.Pro501Arg (NM_001352512.2); c.1294-780C>G (NM_001352511.3, NM_001205206.4); short protein forms P461R, P501R, P383R.
Identifiers: ClinVar variation 2956672 (VCV002956672.3), dbSNP rs780587368, ClinGen allele CA410504083.
Genomic context (GRCh38, chr21:45,515,932, plus strand): 5'-CTCTGTCTCTGCTCCAGGGAGGCTGGCCCCACAGCCCCCAGGCTGTCTTCTGGGGAAAGC[G>C]GCGGGCTCTGGGCTGGCTGCAGGCCTCCGAGGCCCTTGTCCTGCACGCTCAGTGCCTGTG-3'
Protein context (NP_919231.1, residues 491-511): LGGLQPAQSP[Pro501Arg]LSPEDSLGAV